The following is an entry in ClinVar:

ClinVar aggregate classification (germline): Uncertain significance (1 of 4 stars; one submission).

Conditions:
Dyskeratosis congenita, autosomal dominant 1 (DKCA1). Also called: Dyskeratosis congenita Scoggins type. Identifiers: Orphanet 1775, MedGen C4551974, MONDO:0007485, OMIM 127550. Inheritance: Variable.

Allele frequency attached by ClinVar (database versions not stated): TOPMed below 0.00001; gnomAD 0.00001.
gnomAD v4.1: 1 of 760,890 alleles (0.00013%); highest among the groups gnomAD compares: Non-Finnish European, 0.00024%; no homozygotes.

Submission:

Labcorp Genetics (formerly Invitae), Labcorp
Classification: Uncertain significance for Dyskeratosis congenita, autosomal dominant 1. Last evaluated: 2025-12-22. Review status: criteria provided, single submitter. Criteria: Invitae Variant Classification Sherloc (09022015). Collection method: clinical testing. Allele origin: germline.
Comment: This variant occurs in the TERC gene, which encodes an RNA molecule that does not result in a protein product. This variant is not present in population databases (gnomAD no frequency). This variant has not been reported in the literature in individuals affected with TERC-related conditions. ClinVar contains an entry for this variant (Variation ID: 1037483). This variant is located within the BoxH/ACA scaRNA domain of the TERC RNA component, which is required for telomerase activity (PMID: 21844345). In summary, the available evidence is currently insufficient to determine the role of this variant in disease. Therefore, it has been classified as a Variant of Uncertain Significance.

Literature cited by the submitters: PubMed 21844345.

NC_000003.12:g.169764679T>C

Gene: TERC (telomerase RNA component; minus strand). Cytogenetic location: 3q26.2.
Variant type: single nucleotide variant.
Genome position: GRCh38 VCF-style: chr3-169764679-T-C. GRCh37 (hg19) VCF-style: chr3-169482467-T-C.
Identifiers: ClinVar variation 1037483 (VCV001037483.9), dbSNP rs1777958465, ClinGen allele CA436714885.